The following is an entry in ClinVar:

NM_002691.4(POLD1):c.424del (p.His142fs)

Gene: POLD1 (DNA polymerase delta 1, catalytic subunit; plus strand). Cytogenetic location: 19q13.33.
Variant type: Deletion.
Coding change: c.424del on transcript NM_002691.4 (MANE Select); coding-DNA position 424, one base deleted (C; older notation c.424delC).
Protein change: p.His142fs; shifts the reading frame from histidine 142.
Molecular consequence: frameshift variant. On other transcripts: non-coding transcript variant (1).
Genome position (GRCh38, 1-based): chr19:50,401,885, C deleted; the last of 2 consecutive C bases (chr19:50,401,884-50,401,885); deleting either gives the same sequence. VCF-style (leftmost placement, unchanged base first): chr19-50401883-TC-T. GRCh37 (hg19) VCF-style: chr19-50905140-TC-T.
Other names: c.424del, p.His142fs (NM_001256849.1, NM_001308632.1); short protein forms H142fs.
Identifiers: ClinVar variation 1053322 (VCV001053322.9), dbSNP rs2122234169, ClinGen allele CA2499225555.

ClinVar aggregate classification (germline): Uncertain significance (1 of 4 stars; one submission).

Conditions:
POLD1-related polyposis and colorectal cancer syndrome (CRCS10). Also called: Colorectal cancer 10; COLORECTAL CANCER, SUSCEPTIBILITY TO, ON CHROMOSOME 19q; Colorectal cancer, susceptibility to, 10. Identifiers: Orphanet 220460, MedGen C2675481, MONDO:0012953, OMIM 612591.

Submission:

Labcorp Genetics (formerly Invitae), Labcorp
Classification: Uncertain significance for POLD1-related polyposis and colorectal cancer syndrome. Last evaluated: 2024-06-04. Review status: criteria provided, single submitter. Criteria: Invitae Variant Classification Sherloc (09022015). Collection method: clinical testing. Allele origin: germline.
Comment: This sequence change creates a premature translational stop signal (p.His142Thrfs*27) in the POLD1 gene. Missense variants that disrupt the 3'-5' exonuclease (proof-reading) activity of the POLD1 protein are associated with PPAP (polymerase proofreading–associated polyposis) (PMID: 23263490, 23447401). However, loss-of-function variants that result in an absent or severely disrupted POLD1 protein, and missense variants outside the exonuclease domain, are unlikely to be associated with PPAP. This variant is not present in population databases (gnomAD no frequency). This variant has not been reported in the literature in individuals affected with POLD1-related conditions. ClinVar contains an entry for this variant (Variation ID: 1053322). In summary, the available evidence is currently insufficient to determine the role of this variant in disease. Therefore, it has been classified as a Variant of Uncertain Significance.

Literature cited by the submitters: PubMed 23263490; PubMed 23447401.